The following is an entry in ClinVar:

NM_001211.6(BUB1B):c.3115G>A (p.Gly1039Arg)

Genes: BUB1B (BUB1 mitotic checkpoint serine/threonine kinase B; plus strand), BUB1B-PAK6 (BUB1B-PAK6 readthrough; plus strand). Cytogenetic location: 15q15.1.
Variant type: single nucleotide variant.
Coding change: c.3115G>A on transcript NM_001211.6 (MANE Select); coding-DNA position 3115, G replaced by A.
Protein change: p.Gly1039Arg; replaces glycine 1039 with arginine.
Molecular consequence: missense variant. On other transcripts: intron variant (2).
Genome position (GRCh38, 1-based): chr15:40,220,721, G>A. VCF-style: chr15-40220721-G-A. GRCh37 (hg19) VCF-style: chr15-40512922-G-A.
Other names: c.-201+3054G>A (NM_001128628.3); c.-118+3054G>A (NM_001128629.3); short protein forms G1039R.
Identifiers: ClinVar variation 1727799 (VCV001727799.2), dbSNP rs2037891017, ClinGen allele CA391690457.

ClinVar aggregate classification (germline): Uncertain significance (1 of 4 stars; one submission).

Conditions:
Inborn genetic diseases. Identifiers: MedGen C0950123, MeSH D030342.

Submission:

Ambry Genetics
Classification: Uncertain significance for Inborn genetic diseases. Last evaluated: 2022-05-14. Review status: criteria provided, single submitter. Criteria: Ambry Variant Classification Scheme 2023. Collection method: clinical testing. Allele origin: germline.
Comment: The p.G1039R variant (also known as c.3115G>A), located in coding exon 23 of the BUB1B gene, results from a G to A substitution at nucleotide position 3115. The glycine at codon 1039 is replaced by arginine, an amino acid with dissimilar properties. This amino acid position is conserved. In addition, this alteration is predicted to be tolerated by in silico analysis. Since supporting evidence is limited at this time, the clinical significance of this alteration remains unclear.